The following is an entry in ClinVar:

NM_007327.4(GRIN1):c.2247T>C (p.Thr749=)

Gene: GRIN1 (glutamate ionotropic receptor NMDA type subunit 1; plus strand). Cytogenetic location: 9q34.3.
Variant type: single nucleotide variant.
Coding change: c.2247T>C on transcript NM_007327.4 (MANE Select); coding-DNA position 2247, T replaced by C.
Protein change: p.Thr749=; no amino-acid change (threonine 749 retained).
Molecular consequence: synonymous variant.
Genome position (GRCh38, 1-based): chr9:137,163,244, T>C. VCF-style: chr9-137163244-T-C. GRCh37 (hg19) VCF-style: chr9-140057696-T-C.
Other names: c.2247T>C, p.Thr749= (NM_000832.7, NM_021569.4); c.2310T>C, p.Thr770= (NM_001185090.2, NM_001185091.2).
Identifiers: ClinVar variation 1676135 (VCV001676135.33), dbSNP rs754870278, ClinGen allele CA5361087.
Genomic context (GRCh38, chr9:137,163,244, plus strand): 5'-CATCTGGGACTCGGCGGTGCTGGAGTTCGAGGCCTCGCAGAAGTGCGACCTGGTGACGAC[T>C]GGAGAGCTGTTTTTCCGCTCGGGCTTCGGCATAGGCATGCGCAAAGACAGCCCCTGGAAG-3'
Protein context (NP_015566.1, residues 739-759): EASQKCDLVT[Thr749=]GELFFRSGFG

ClinVar aggregate classification (germline): Likely benign (1 of 4 stars; one submission).

Allele frequency attached by ClinVar (database versions not stated): gnomAD exomes below 0.00001; ExAC 0.00001; gnomAD 0.00001; 1000 Genomes Project 30x 0.00016.
gnomAD v4.1: 2 of 1,613,760 alleles (0.00012%); highest among the groups gnomAD compares: South Asian, 0.0022%; no homozygotes.

Submission:

CeGaT Center for Human Genetics Tuebingen
Classification: Likely benign. Last evaluated: 2022-03-01. Review status: criteria provided, single submitter. Criteria: CeGaT Center For Human Genetics Tuebingen Variant Classification Criteria Version 2. Collection method: clinical testing. Allele origin: germline. Affected: yes. Observed: 1 variant allele.
Comment: GRIN1: BP4, BP7